The following is an entry in ClinVar:

ClinVar aggregate classification (germline): Likely benign. Review status: criteria provided, multiple submitters, no conflicts (2 of 4 stars). 4 submissions from 4 submitters: Likely benign (3). 1 of the submissions does not count toward it. Last evaluated 2025-11-17.

Conditions:
Familial hemiplegic migraine. Identifiers: MedGen C0338484, MONDO:0000700.
ATP1A2-related disorder. Also called: ATP1A2-related condition; ATP1A2-RELATED DISORDERS.
Inborn genetic diseases. Identifiers: MedGen C0950123, MeSH D030342.

Allele frequency attached by ClinVar (database versions not stated): gnomAD exomes 0.00001 and 0.00007; TOPMed 0.00002; ExAC 0.00007.
gnomAD v4.1: 22 of 1,614,182 alleles (0.0014%); highest among the groups gnomAD compares: Admixed American, 0.032%; no homozygotes.

Submissions (4):

Labcorp Genetics (formerly Invitae), Labcorp
Classification: Likely benign for Familial hemiplegic migraine. Last evaluated: 2025-11-17. Review status: criteria provided, single submitter. Criteria: Invitae Variant Classification Sherloc (09022015). Collection method: clinical testing. Allele origin: germline.

Ambry Genetics
Classification: Likely benign for Inborn genetic diseases. Last evaluated: 2017-05-30. Review status: criteria provided, single submitter. Criteria: Ambry Variant Classification Scheme 2023. Collection method: clinical testing. Allele origin: germline.

Breakthrough Genomics
Classification: Likely benign. Review status: criteria provided, single submitter. Criteria: ACMG Guidelines, 2015. Collection method: not provided. Allele origin: germline. Inheritance: Autosomal recessive inheritance. Affected: yes.

PreventionGenetics, part of Exact Sciences
Classification: Likely benign for ATP1A2-related condition. Last evaluated: 2019-07-30. Review status: no assertion criteria provided. Collection method: clinical testing. Allele origin: germline. Not counted in ClinVar's aggregate classification.
Comment: This variant is classified as likely benign based on ACMG/AMP sequence variant interpretation guidelines (Richards et al. 2015 PMID: 25741868, with internal and published modifications).

NM_000702.4(ATP1A2):c.1332C>T (p.Asp444=)

Gene: ATP1A2 (ATPase Na+/K+ transporting subunit alpha 2; plus strand). Cytogenetic location: 1q23.2.
Variant type: single nucleotide variant.
Coding change: c.1332C>T on transcript NM_000702.4 (MANE Select); coding-DNA position 1332, C replaced by T.
Protein change: p.Asp444=; no amino-acid change (aspartic acid 444 retained).
Molecular consequence: synonymous variant.
Genome position (GRCh38, 1-based): chr1:160,129,271, C>T. VCF-style: chr1-160129271-C-T. GRCh37 (hg19) VCF-style: chr1-160099061-C-T.
Identifiers: ClinVar variation 590168 (VCV000590168.16), dbSNP rs765455081, ClinGen allele CA1194470.